The following is an entry in ClinVar:

NM_004168.4(SDHA):c.3G>T (p.Met1Ile)

Gene: SDHA (succinate dehydrogenase complex flavoprotein subunit A; plus strand). Cytogenetic location: 5p15.33.
Variant type: single nucleotide variant.
Coding change: c.3G>T on transcript NM_004168.4 (MANE Select); coding-DNA position 3, G replaced by T.
Protein change: p.Met1Ile; changes the start codon (methionine 1).
Molecular consequence: missense variant, initiator codon variant.
Genome position (GRCh38, 1-based): chr5:218,358, G>T. VCF-style: chr5-218358-G-T. GRCh37 (hg19) VCF-style: chr5-218473-G-T.
Other names: c.3G>T (NM_004168.2); c.3G>T, p.Met1Ile (NM_001294332.2, NM_001330758.2); short protein forms M1I.
Identifiers: ClinVar variation 1408872 (VCV001408872.10), dbSNP rs2126522051, ClinGen allele CA359007238.

ClinVar aggregate classification (germline): Pathogenic. Review status: criteria provided, multiple submitters, no conflicts (2 of 4 stars). 2 submissions from 2 submitters: Pathogenic (2). Last evaluated 2023-01-12.

Conditions:
Mitochondrial complex II deficiency, nuclear type 1. Also called: SUCCINATE CoQ REDUCTASE DEFICIENCY. Identifiers: Orphanet 3208, MedGen C5700310, MONDO:0100294, OMIM 252011.
Pheochromocytoma/paraganglioma syndrome 5. Also called: Paragangliomas 5; SDHA-Related Hereditary Paraganglioma-Pheochromocytoma Syndrome. Identifiers: Orphanet 29072, MedGen C3279992, MONDO:0013602, OMIM 614165.
Hereditary cancer-predisposing syndrome. Also called: Tumor predisposition; Hereditary Cancer Syndrome; Hereditary neoplastic syndrome; Neoplastic Syndromes, Hereditary. Identifiers: Orphanet 140162, MedGen C0027672, MeSH D009386, MONDO:0015356.

Submissions (2):

Ambry Genetics
Classification: Pathogenic for Hereditary cancer-predisposing syndrome. Last evaluated: 2023-01-12. Review status: criteria provided, single submitter. Criteria: Ambry Variant Classification Scheme 2023. Collection method: clinical testing. Allele origin: germline.
Comment: The p.M1? pathogenic mutation (also known as c.3G>T) is located in coding exon 1 of the SDHA gene and results from a G to T substitution at nucleotide position 3. This alters the methionine residue at the initiation codon (ATG). This alteration has been observed in at least one individual with a personal and/or family history that is consistent with SDHA-related disease (Ambry internal data). This variant is considered to be rare based on population cohorts in the Genome Aggregation Database (gnomAD). Sequence variations that modify the initiation codon are expected to result in either loss of translation initiation, N-terminal truncation, or cause a shift in the mRNA reading frame. Based on the supporting evidence, this alteration is interpreted as a disease-causing mutation.

Labcorp Genetics (formerly Invitae), Labcorp
Classification: Pathogenic for Pheochromocytoma/paraganglioma syndrome 5; Mitochondrial complex II deficiency, nuclear type 1. Last evaluated: 2021-04-28. Review status: criteria provided, single submitter. Criteria: Invitae Variant Classification Sherloc (09022015). Collection method: clinical testing. Allele origin: germline.
Comment: Disruption of the initiator methionine has been observed in individual(s) with gastrointestinal stromal tumor, renal cell carcinoma, paraganglioma, pheochromocytoma, and complex II deficiency (PMID: 28384794, 26722403, 10746566, 26334176). Rescue of translational initiation by the downstream methionine would be expected to result in the disruption of the N-terminal part of the SDHA protein, which is important for FAD binding (PMID: 25488574, 15989954). This suggests that disruption of this region of the protein is causative of disease. For these reasons, this variant has been classified as Pathogenic. This sequence change affects the initiator methionine of the SDHA mRNA. The next in-frame methionine is located at codon 114. This variant is not present in population databases (ExAC no frequency).

Literature cited by the submitters: PubMed 28384794 (cited by Labcorp Genetics (formerly Invitae), Labcorp); PubMed 26722403 (cited by Labcorp Genetics (formerly Invitae), Labcorp); PubMed 10746566 (cited by Labcorp Genetics (formerly Invitae), Labcorp); PubMed 26334176 (cited by Labcorp Genetics (formerly Invitae), Labcorp); PubMed 25488574 (cited by Labcorp Genetics (formerly Invitae), Labcorp); PubMed 15989954 (cited by Labcorp Genetics (formerly Invitae), Labcorp).